The following is an entry in ClinVar:

NM_024596.5(MCPH1):c.2189T>A (p.Leu730Gln)

Genes: ANGPT2 (angiopoietin 2; minus strand), MCPH1 (microcephalin 1; plus strand). Cytogenetic location: 8p23.1.
Variant type: single nucleotide variant.
Coding change: c.2189T>A on transcript NM_024596.5 (MANE Select); coding-DNA position 2189, T replaced by A.
Protein change: p.Leu730Gln; replaces leucine 730 with glutamine.
Molecular consequence: missense variant. On other transcripts: 3 prime UTR variant (6), intron variant (1).
Genome position (GRCh38, 1-based): chr8:6,499,904, T>A. VCF-style: chr8-6499904-T-A. GRCh37 (hg19) VCF-style: chr8-6357425-T-A.
Other names: c.*3197A>T (NM_001118887.2, NM_001118888.2, NM_001147.3 and 1 more transcripts); c.*3345A>T (NM_001386336.1, NM_001386337.1); c.2189T>A, p.Leu730Gln (NM_001322042.2, NM_001363979.1, NM_001410916.1 and 1 more transcripts); c.1935+44652T>A (NM_001363980.2); short protein forms L730Q.
Identifiers: ClinVar variation 1502904 (VCV001502904.7), dbSNP rs771694886, ClinGen allele CA4610846.

ClinVar aggregate classification (germline): Uncertain significance. Review status: criteria provided, multiple submitters, no conflicts (2 of 4 stars). 3 submissions from 3 submitters: Uncertain significance (3). Last evaluated 2026-01-08.

Conditions:
Inborn genetic diseases. Identifiers: MedGen C0950123, MeSH D030342.

Allele frequency attached by ClinVar (database versions not stated): gnomAD 0.00001; TOPMed 0.00001; ExAC 0.00002.
gnomAD v4.1: 31 of 1,613,628 alleles (0.0019%); highest among the groups gnomAD compares: Non-Finnish European, 0.0025%; no homozygotes.

Submissions (3):

Labcorp Genetics (formerly Invitae), Labcorp
Classification: Uncertain significance. Last evaluated: 2026-01-08. Review status: criteria provided, single submitter. Criteria: Invitae Variant Classification Sherloc (09022015). Collection method: clinical testing. Allele origin: germline.
Comment: This sequence change replaces leucine, which is neutral and non-polar, with glutamine, which is neutral and polar, at codon 730 of the MCPH1 protein (p.Leu730Gln). This variant is present in population databases (rs771694886, gnomAD 0.008%). This variant has not been reported in the literature in individuals affected with MCPH1-related conditions. ClinVar contains an entry for this variant (Variation ID: 1502904). Invitae Evidence Modeling of protein sequence and biophysical properties (such as structural, functional, and spatial information, amino acid conservation, physicochemical variation, residue mobility, and thermodynamic stability) indicates that this missense variant is expected to disrupt MCPH1 protein function with a positive predictive value of 80%. In summary, the available evidence is currently insufficient to determine the role of this variant in disease. Therefore, it has been classified as a Variant of Uncertain Significance.

Blueprint Genetics
Classification: Uncertain significance. Last evaluated: 2024-04-10. Review status: criteria provided, single submitter. Criteria: ACMG Guidelines, 2015. Collection method: clinical testing. Allele origin: germline.

Ambry Genetics
Classification: Uncertain significance for Inborn genetic diseases. Last evaluated: 2022-10-26. Review status: criteria provided, single submitter. Criteria: Ambry Variant Classification Scheme 2023. Collection method: clinical testing. Allele origin: germline.